The following is an entry in ClinVar:

ClinVar aggregate classification (germline): Likely benign. Review status: criteria provided, multiple submitters, no conflicts (2 of 4 stars). 2 submissions from 2 submitters: Likely benign (2). Last evaluated 2025-05-16.

Conditions:
ANKRD11-related disorder. Also called: ANKRD11-related condition.
KBG syndrome (KBGS). Also called: ANKRD11-Related KBG Syndrome. Identifiers: Orphanet 2332, MedGen C0220687, MONDO:0007846, OMIM 148050.

gnomAD v4.1: 139 of 1,613,592 alleles (0.0086%); highest among the groups gnomAD compares: Non-Finnish European, 0.011%; no homozygotes.

Submissions (2):

PreventionGenetics, part of Exact Sciences
Classification: Likely benign for ANKRD11-related condition. Last evaluated: 2025-05-16. Review status: criteria provided, single submitter. Criteria: ACMG Guidelines, 2015. Collection method: clinical testing. Allele origin: germline.
Comment: This variant is classified as likely benign based on ACMG/AMP sequence variant interpretation guidelines (Richards et al. 2015 PMID: 25741868, with internal and published modifications).

Labcorp Genetics (formerly Invitae), Labcorp
Classification: Likely benign for KBG syndrome. Last evaluated: 2025-04-27. Review status: criteria provided, single submitter. Criteria: Invitae Variant Classification Sherloc (09022015). Collection method: clinical testing. Allele origin: germline.

NM_013275.6(ANKRD11):c.4333C>T (p.Leu1445=)

Gene: ANKRD11 (ankyrin repeat domain 11; minus strand). Cytogenetic location: 16q24.3.
Variant type: single nucleotide variant.
Coding change: c.4333C>T on transcript NM_013275.6 (MANE Select); coding-DNA position 4333, C replaced by T.
Protein change: p.Leu1445=; no amino-acid change (leucine 1445 retained).
Molecular consequence: synonymous variant.
Genome position (GRCh38, 1-based): chr16:89,282,209, G>A on the plus strand (C>T on the coding strand, the complement: ANKRD11 is on the minus strand). VCF-style: chr16-89282209-G-A. GRCh37 (hg19) VCF-style: chr16-89348617-G-A.
Other names: c.4333C>T, p.Leu1445= (NM_001256182.2, NM_001256183.2); c.4333C>T (NM_013275.5).
Identifiers: ClinVar variation 4694015 (VCV004694015.2).